The following is an entry in ClinVar:

ClinVar aggregate classification (germline): Uncertain significance. Review status: criteria provided, multiple submitters, no conflicts (2 of 4 stars). 3 submissions from 3 submitters: Uncertain significance (3). Last evaluated 2025-11-17.

Conditions:
Hereditary cancer-predisposing syndrome. Also called: Hereditary Cancer Syndrome; Hereditary neoplastic syndrome; Neoplastic Syndromes, Hereditary; Tumor predisposition. Identifiers: Orphanet 140162, MedGen C0027672, MeSH D009386, MONDO:0015356.
Retinoblastoma (RB1). Also called: RETINOBLASTOMA, SOMATIC. Identifiers: Orphanet 790, MedGen C0035335, MeSH D012175, MONDO:0008380, OMIM 180200, HP:0009919. Disease mechanism: loss of function. Inheritance: Both sporadic and heritable forms are tested..

Submissions (3):

Ambry Genetics
Classification: Uncertain significance for Hereditary cancer-predisposing syndrome. Last evaluated: 2025-11-17. Review status: criteria provided, single submitter. Criteria: Ambry Variant Classification Scheme 2023. Collection method: clinical testing. Allele origin: germline.
Comment: The p.H686Q variant (also known as c.2058C>A), located in coding exon 20 of the RB1 gene, results from a C to A substitution at nucleotide position 2058. The histidine at codon 686 is replaced by glutamine, an amino acid with highly similar properties. This amino acid position is conserved. In addition, this alteration is predicted to be deleterious by in silico analysis. Based on the available evidence, the clinical significance of this variant remains unclear.

Labcorp Genetics (formerly Invitae), Labcorp
Classification: Uncertain significance for Retinoblastoma. Last evaluated: 2024-12-29. Review status: criteria provided, single submitter. Criteria: Invitae Variant Classification Sherloc (09022015). Collection method: clinical testing. Allele origin: germline.
Comment: This sequence change replaces histidine, which is basic and polar, with glutamine, which is neutral and polar, at codon 686 of the RB1 protein (p.His686Gln). This variant is not present in population databases (gnomAD no frequency). This variant has not been reported in the literature in individuals affected with RB1-related conditions. ClinVar contains an entry for this variant (Variation ID: 1692380). Invitae Evidence Modeling of protein sequence and biophysical properties (such as structural, functional, and spatial information, amino acid conservation, physicochemical variation, residue mobility, and thermodynamic stability) has been performed for this missense variant. However, the output from this modeling did not meet the statistical confidence thresholds required to predict the impact of this variant on RB1 protein function. In summary, the available evidence is currently insufficient to determine the role of this variant in disease. Therefore, it has been classified as a Variant of Uncertain Significance.

Sema4
Classification: Uncertain significance for Hereditary cancer-predisposing syndrome. Last evaluated: 2021-12-17. Review status: criteria provided, single submitter. Criteria: Sema4 Curation Guidelines. Collection method: curation. Allele origin: germline.
Comment: The RB1 c.2058C>A (p.H686Q) variant has not been reported in the literature to our knowledge. It was not observed in the large and broad cohorts of the Genome Aggregation Database (PMID: 32461654), and it has not been reported in ClinVar. In silico tools suggest the impact of the variant on protein function is deleterious, though these predictions have not been confirmed by functional studies. The evidence is insufficient to meet ACMG/AMP criteria for classifying the variant as benign or pathogenic. Thus, the clinical significance of this variant is currently uncertain.

NM_000321.3(RB1):c.2058C>A (p.His686Gln)

Gene: RB1 (RB transcriptional corepressor 1; plus strand). Cytogenetic location: 13q14.2.
Variant type: single nucleotide variant.
Coding change: c.2058C>A on transcript NM_000321.3 (MANE Select); coding-DNA position 2058, C replaced by A.
Protein change: p.His686Gln; replaces histidine 686 with glutamine.
Molecular consequence: missense variant.
Genome position (GRCh38, 1-based): chr13:48,459,785, C>A. VCF-style: chr13-48459785-C-A. GRCh37 (hg19) VCF-style: chr13-49033921-C-A.
Other names: short protein forms H686Q.
Identifiers: ClinVar variation 1692380 (VCV001692380.6), dbSNP rs748484148, ClinGen allele CA388166866.